The following is an entry in ClinVar:

NM_001256012.3(MYH10):c.532G>A (p.Gly178Ser)

Gene: MYH10 (myosin heavy chain 10; minus strand). Cytogenetic location: 17p13.1.
Variant type: single nucleotide variant.
Coding change: c.532G>A on transcript NM_001256012.3 (MANE Select); coding-DNA position 532, G replaced by A.
Protein change: p.Gly178Ser; replaces glycine 178 with serine.
Molecular consequence: missense variant.
Genome position (GRCh38, 1-based): chr17:8,577,337, C>T on the plus strand (G>A on the coding strand, the complement: MYH10 is on the minus strand). VCF-style: chr17-8577337-C-T. GRCh37 (hg19) VCF-style: chr17-8480655-C-T.
Other names: c.532G>A, p.Gly178Ser (NM_001256095.2, NM_001375266.1, NM_005964.5); short protein forms G178S.
Identifiers: ClinVar variation 5009340 (VCV005009340.1).

ClinVar aggregate classification (germline): Uncertain significance (1 of 4 stars; one submission).

Submission:

GeneDx
Classification: Uncertain significance. Last evaluated: 2026-03-17. Review status: criteria provided, single submitter. Criteria: GeneDx Variant Classification Process June 2021. Collection method: clinical testing. Allele origin: germline.
Comment: Not observed at significant frequency in large population cohorts (gnomAD); In silico analysis supports that this missense variant has a deleterious effect on protein structure/function; Has not been previously published as pathogenic or benign to our knowledge